The following is an entry in ClinVar:

NM_014000.3(VCL):c.2803G>A (p.Asp935Asn)

Gene: VCL (vinculin; plus strand). Cytogenetic location: 10q22.2.
Variant type: single nucleotide variant.
Coding change: c.2803G>A on transcript NM_014000.3 (MANE Select); coding-DNA position 2803, G replaced by A.
Protein change: p.Asp935Asn; replaces aspartic acid 935 with asparagine.
Molecular consequence: missense variant. On other transcripts: intron variant (1).
Genome position (GRCh38, 1-based): chr10:74,111,966, G>A. VCF-style: chr10-74111966-G-A. GRCh37 (hg19) VCF-style: chr10-75871724-G-A.
Other names: c.2746-2218G>A (NM_003373.4); short protein forms D935N.
Identifiers: ClinVar variation 468818 (VCV000468818.10), dbSNP rs746658025, ClinGen allele CA5563313.

ClinVar aggregate classification (germline): Uncertain significance. Review status: criteria provided, multiple submitters, no conflicts (2 of 4 stars). 2 submissions from 2 submitters: Uncertain significance (2). Last evaluated 2026-01-07.

Conditions:
Cardiovascular phenotype. Identifiers: MedGen CN230736.
Dilated cardiomyopathy 1W (CMD1W). Identifiers: Orphanet 154, MedGen C1969639, MONDO:0012667, OMIM 611407.

Allele frequency attached by ClinVar (database versions not stated): gnomAD 0.00001; gnomAD exomes 0.00001; TOPMed 0.00001; ExAC 0.00002.
gnomAD v4.1: 13 of 1,614,070 alleles (0.00081%); highest among the groups gnomAD compares: South Asian, 0.0022%; no homozygotes.

Submissions (2):

Labcorp Genetics (formerly Invitae), Labcorp
Classification: Uncertain significance for Dilated cardiomyopathy 1W. Last evaluated: 2026-01-07. Review status: criteria provided, single submitter. Criteria: Invitae Variant Classification Sherloc (09022015). Collection method: clinical testing. Allele origin: germline.
Comment: This sequence change replaces aspartic acid, which is acidic and polar, with asparagine, which is neutral and polar, at codon 935 of the VCL protein (p.Asp935Asn). This variant is present in population databases (rs746658025, gnomAD 0.003%). This variant has not been reported in the literature in individuals affected with VCL-related conditions. ClinVar contains an entry for this variant (Variation ID: 468818). An algorithm developed to predict the effect of missense changes on protein structure and function (PolyPhen-2) suggests that this variant is likely to be tolerated. In summary, the available evidence is currently insufficient to determine the role of this variant in disease. Therefore, it has been classified as a Variant of Uncertain Significance.

Ambry Genetics
Classification: Uncertain significance for Cardiovascular phenotype. Last evaluated: 2023-12-22. Review status: criteria provided, single submitter. Criteria: Ambry Variant Classification Scheme 2023. Collection method: clinical testing. Allele origin: germline.
Comment: The p.D935N variant (also known as c.2803G>A), located in coding exon 19 of the VCL gene, results from a G to A substitution at nucleotide position 2803. The aspartic acid at codon 935 is replaced by asparagine, an amino acid with highly similar properties. This amino acid position is conserved. In addition, this alteration is predicted to be tolerated by in silico analysis. Since supporting evidence is limited at this time, the clinical significance of this alteration remains unclear.